The following is an entry in ClinVar:

ClinVar aggregate classification (germline): Uncertain significance (1 of 4 stars; one submission).

gnomAD v4.1: 62 of 1,613,628 alleles (0.0038%); highest among the groups gnomAD compares: Admixed American, 0.005%; no homozygotes.

Submission:

Labcorp Genetics (formerly Invitae), Labcorp
Classification: Uncertain significance. Last evaluated: 2025-10-29. Review status: criteria provided, single submitter. Criteria: Invitae Variant Classification Sherloc (09022015). Collection method: clinical testing. Allele origin: germline.
Comment: This sequence change replaces aspartic acid, which is acidic and polar, with asparagine, which is neutral and polar, at codon 1047 of the KMT2A protein (p.Asp1047Asn). This variant is present in population databases (no rsID available, gnomAD 0.002%). This variant has not been reported in the literature in individuals affected with KMT2A-related conditions. ClinVar contains an entry for this variant (Variation ID: 3701988). Invitae Evidence Modeling of protein sequence and biophysical properties (such as structural, functional, and spatial information, amino acid conservation, physicochemical variation, residue mobility, and thermodynamic stability) has been performed for this missense variant. However, the output from this modeling did not meet the statistical confidence thresholds required to predict the impact of this variant on KMT2A protein function. In summary, the available evidence is currently insufficient to determine the role of this variant in disease. Therefore, it has been classified as a Variant of Uncertain Significance.

NM_001197104.2(KMT2A):c.3139G>A (p.Asp1047Asn)

Gene: KMT2A (lysine methyltransferase 2A; plus strand). Cytogenetic location: 11q23.3.
Variant type: single nucleotide variant.
Coding change: c.3139G>A on transcript NM_001197104.2 (MANE Select); coding-DNA position 3139, G replaced by A.
Protein change: p.Asp1047Asn; replaces aspartic acid 1047 with asparagine.
Molecular consequence: missense variant.
Genome position (GRCh38, 1-based): chr11:118,474,298, G>A. VCF-style: chr11-118474298-G-A. GRCh37 (hg19) VCF-style: chr11-118345013-G-A.
Other names: c.3238G>A, p.Asp1080Asn (NM_001412597.1); c.3139G>A, p.Asp1047Asn (NM_005933.4); short protein forms D1080N, D1047N.
Identifiers: ClinVar variation 3701988 (VCV003701988.2).
Genomic context (GRCh38, chr11:118,474,298, plus strand): 5'-CTAAAAAAGGCCAAAGCTCAGCTCTGCAAGATTGAGAAGAGTAAGAGTCTTAAACAAACC[G>A]ACCAGCCCAAAGCACAGGTACTCTTTTCCACCTTGCCTATTAAAACTAACAGTTTATTGA-3'
Protein context (NP_001184033.1, residues 1037-1057): IEKSKSLKQT[Asp1047Asn]QPKAQGQESD